The following is an entry in ClinVar:

NM_002900.3(RBP3):c.3395G>A (p.Arg1132His)

Gene: RBP3 (retinol binding protein 3; plus strand). Cytogenetic location: 10q11.22.
Variant type: single nucleotide variant.
Coding change: c.3395G>A on transcript NM_002900.3 (MANE Select); coding-DNA position 3395, G replaced by A.
Protein change: p.Arg1132His; replaces arginine 1132 with histidine.
Molecular consequence: missense variant.
Genome position (GRCh38, 1-based): chr10:47,357,108, G>A. VCF-style: chr10-47357108-G-A. GRCh37 (hg19) VCF-style: chr10-48382254-C-T.
Other names: short protein forms R1132H.
Identifiers: ClinVar variation 2800938 (VCV002800938.4), dbSNP rs1555212051, ClinGen allele CA376677122.
Genomic context (GRCh38, chr10:47,357,108, plus strand): 5'-GGTGCTCCAGGGTCCTGACATGACCCCCATCCTGAAGGGCCTTATGTCTTCCAGGTGAAC[G>A]CTATGGCTCCAAGAAGAGCATGGTCATTCTGACCAGCAGTGTGACGGCCGGCACCGCGGA-3'
Protein context (NP_002891.1, residues 1122-1142): LWTHAQVVGE[Arg1132His]YGSKKSMVIL

ClinVar aggregate classification (germline): Uncertain significance. Review status: criteria provided, multiple submitters, no conflicts (2 of 4 stars). 2 submissions from 2 submitters: Uncertain significance (2). Last evaluated 2023-09-07.

Submissions (2):

Labcorp Genetics (formerly Invitae), Labcorp
Classification: Uncertain significance. Last evaluated: 2023-09-07. Review status: criteria provided, single submitter. Criteria: Invitae Variant Classification Sherloc (09022015). Collection method: clinical testing. Allele origin: germline.
Comment: In summary, the available evidence is currently insufficient to determine the role of this variant in disease. Therefore, it has been classified as a Variant of Uncertain Significance. An algorithm developed to predict the effect of missense changes on protein structure and function (PolyPhen-2) suggests that this variant is likely to be disruptive. This variant has not been reported in the literature in individuals affected with RBP3-related conditions. The frequency data for this variant in the population databases is considered unreliable, as metrics indicate poor data quality at this position in the gnomAD database. This sequence change replaces arginine, which is basic and polar, with histidine, which is basic and polar, at codon 1132 of the RBP3 protein (p.Arg1132His).

Blueprint Genetics
Classification: Uncertain significance. Last evaluated: 2021-09-17. Review status: criteria provided, single submitter. Criteria: ACMG Guidelines, 2015. Collection method: clinical testing. Allele origin: germline.